The following is an entry in ClinVar:

ClinVar aggregate classification (germline): Pathogenic. Review status: criteria provided, multiple submitters, no conflicts (2 of 4 stars). 3 submissions from 3 submitters: Pathogenic (3). Last evaluated 2026-04-03.

Conditions:
Hereditary cancer-predisposing syndrome. Also called: Neoplastic Syndromes, Hereditary; Tumor predisposition; Hereditary Cancer Syndrome; Hereditary neoplastic syndrome. Identifiers: Orphanet 140162, MedGen C0027672, MeSH D009386, MONDO:0015356.
Breast-ovarian cancer, familial, susceptibility to, 1 (BROVCA1). Also called: OVARIAN CANCER, SUSCEPTIBILITY TO; BRCA1 Hereditary Breast and Ovarian Cancer. Identifiers: Orphanet 145, MedGen C2676676, MONDO:0011450, OMIM 604370. Disease mechanism: loss of function.
Hereditary breast ovarian cancer syndrome. Also called: Breast and ovarian cancer; Hereditary breast and/or ovarian cancer syndrome; Hereditary breast and ovarian cancer syndrome; BRCA1- and BRCA2-Associated Hereditary Breast and Ovarian Cancer; Hereditary breast and ovarian cancer; Hereditary breast and ovarian cancer syndrome (HBOC). Identifiers: Orphanet 145, MedGen C0677776, MeSH D061325, MONDO:0003582. Disease mechanism: loss of function.

Submissions (3):

Dasa
Classification: Pathogenic for Breast-ovarian cancer, familial, susceptibility to, 1. Last evaluated: 2026-04-03. Review status: criteria provided, single submitter. Criteria: DASA Assertion Criteria. Collection method: clinical testing. Allele origin: germline.
Comment: NM_007294.4(BRCA1):c.4588A>T (p.Lys1530*) introduces a premature termination codon predicted to result in loss of normal protein function. Loss-of-function is an established mechanism of disease for this gene. Based on the available data, this variant is classified as pathogenic.

Ambry Genetics
Classification: Pathogenic for Hereditary cancer-predisposing syndrome. Last evaluated: 2026-03-26. Review status: criteria provided, single submitter. Criteria: Ambry Variant Classification Scheme 2023. Collection method: clinical testing. Allele origin: germline.
Comment: The p.K1530* pathogenic mutation (also known as c.4588A>T), located in coding exon 13 of the BRCA1 gene, results from an A to T substitution at nucleotide position 4588. This changes the amino acid from a lysine to a stop codon within coding exon 13. This variant is considered to be rare based on population cohorts in the Genome Aggregation Database (gnomAD). This alteration is expected to result in loss of function by premature protein truncation or nonsense-mediated mRNA decay. As such, this alteration is interpreted as a disease-causing mutation.

Labcorp Genetics (formerly Invitae), Labcorp
Classification: Pathogenic for Hereditary breast ovarian cancer syndrome. Last evaluated: 2021-11-08. Review status: criteria provided, single submitter. Criteria: Invitae Variant Classification Sherloc (09022015). Collection method: clinical testing. Allele origin: germline.
Comment: This sequence change creates a premature translational stop signal (p.Lys1530*) in the BRCA1 gene. It is expected to result in an absent or disrupted protein product. Loss-of-function variants in BRCA1 are known to be pathogenic (PMID: 20104584). This variant is not present in population databases (gnomAD no frequency). This premature translational stop signal has been observed in individual(s) with personal and/or family history of breast and/or ovarian cancer (PMID: 31825140). For these reasons, this variant has been classified as Pathogenic.

Literature cited by the submitters: PubMed 20104584 (cited by Labcorp Genetics (formerly Invitae), Labcorp); PubMed 31825140 (cited by Labcorp Genetics (formerly Invitae), Labcorp).

NM_007294.4(BRCA1):c.4588A>T (p.Lys1530Ter)

Gene: BRCA1 (BRCA1 DNA repair associated; minus strand). Cytogenetic location: 17q21.31.
Variant type: single nucleotide variant.
Coding change: c.4588A>T on transcript NM_007294.4 (MANE Select); coding-DNA position 4588, A replaced by T.
Protein change: p.Lys1530Ter; replaces lysine 1530 with a stop codon.
Molecular consequence: nonsense. On other transcripts: non-coding transcript variant (1).
Genome position (GRCh38, 1-based): chr17:43,074,418, T>A on the plus strand (A>T on the coding strand, the complement: BRCA1 is on the minus strand). VCF-style: chr17-43074418-T-A. GRCh37 (hg19) VCF-style: chr17-41226435-T-A.
Other names: c.4441A>T, p.Lys1481Ter (NM_001407844.1, NM_001407845.1, NM_001407838.1 and 12 more transcripts); c.1984A>T, p.Lys662Ter (NM_001407968.1); c.4531A>T, p.Lys1511Ter (NM_001407648.1); c.1981A>T, p.Lys661Ter (NM_001407969.1); c.4528A>T, p.Lys1510Ter (NM_001407649.1); c.4375A>T, p.Lys1459Ter (NM_001407571.1, NM_001407898.1, NM_001407899.1 and 12 more transcripts); c.4585A>T, p.Lys1529Ter (NM_001407859.1, NM_001407860.1, NM_001407610.1 and 17 more transcripts); c.4588A>T, p.Lys1530Ter (NM_001407652.1, NM_001407603.1, NM_001407605.1 and 8 more transcripts); and 68 more; short protein forms K1551*, K1530*, K426*, K1483*, K1234*, K1361*, K1401*, K1441*.
Identifiers: ClinVar variation 1451288 (VCV001451288.9), dbSNP rs764016240, ClinGen allele CA10592336.